The following is an entry in ClinVar:

ClinVar aggregate classification (germline): Uncertain significance (1 of 4 stars; one submission).

Conditions:
Progressive familial heart block type IB (PFHB1B). Identifiers: Orphanet 871, MedGen C1970298, MONDO:0011474, OMIM 604559.

Submission:

Labcorp Genetics (formerly Invitae), Labcorp
Classification: Uncertain significance for Progressive familial heart block type IB. Last evaluated: 2024-12-18. Review status: criteria provided, single submitter. Criteria: Invitae Variant Classification Sherloc (09022015). Collection method: clinical testing. Allele origin: germline.
Comment: This sequence change replaces phenylalanine, which is neutral and non-polar, with isoleucine, which is neutral and non-polar, at codon 1027 of the TRPM4 protein (p.Phe1027Ile). This variant is not present in population databases (gnomAD no frequency). This variant has not been reported in the literature in individuals affected with TRPM4-related conditions. An algorithm developed to predict the effect of missense changes on protein structure and function (PolyPhen-2) suggests that this variant is likely to be disruptive. In summary, the available evidence is currently insufficient to determine the role of this variant in disease. Therefore, it has been classified as a Variant of Uncertain Significance.

NM_017636.4(TRPM4):c.3079T>A (p.Phe1027Ile)

Gene: TRPM4 (transient receptor potential cation channel subfamily M member 4; plus strand). Cytogenetic location: 19q13.33.
Variant type: single nucleotide variant.
Coding change: c.3079T>A on transcript NM_017636.4 (MANE Select); coding-DNA position 3079, T replaced by A.
Protein change: p.Phe1027Ile; replaces phenylalanine 1027 with isoleucine.
Molecular consequence: missense variant.
Genome position (GRCh38, 1-based): chr19:49,202,089, T>A. VCF-style: chr19-49202089-T-A. GRCh37 (hg19) VCF-style: chr19-49705346-T-A.
Other names: c.2644T>A, p.Phe882Ile (NM_001195227.2); c.2734T>A, p.Phe912Ile (NM_001321281.2); c.1471T>A, p.Phe491Ile (NM_001321282.2); c.2557T>A, p.Phe853Ile (NM_001321283.2); c.2017T>A, p.Phe673Ile (NM_001321285.2); short protein forms F491I, F853I, F1027I, F673I, F882I, F912I.
Identifiers: ClinVar variation 3727060 (VCV003727060.2).